The following is an entry in ClinVar:

ClinVar aggregate classification (germline): Uncertain significance (1 of 4 stars; one submission).

Submission:

GeneDx
Classification: Uncertain significance. Last evaluated: 2024-03-13. Review status: criteria provided, single submitter. Criteria: GeneDx Variant Classification Process June 2021. Collection method: clinical testing. Allele origin: germline. Affected: yes.
Comment: Not observed at significant frequency in large population cohorts (gnomAD); In silico analysis supports that this missense variant does not alter protein structure/function; Has not been previously published as pathogenic or benign to our knowledge

NM_004667.6(HERC2):c.1940C>T (p.Thr647Ile)

Gene: HERC2 (HECT and RLD domain containing E3 ubiquitin protein ligase 2; minus strand). Cytogenetic location: 15q13.1.
Variant type: single nucleotide variant.
Coding change: c.1940C>T on transcript NM_004667.6 (MANE Select); coding-DNA position 1940, C replaced by T.
Protein change: p.Thr647Ile; replaces threonine 647 with isoleucine.
Molecular consequence: missense variant.
Genome position (GRCh38, 1-based): chr15:28,263,100, G>A on the plus strand (C>T on the coding strand, the complement: HERC2 is on the minus strand). VCF-style: chr15-28263100-G-A. GRCh37 (hg19) VCF-style: chr15-28508246-G-A.
Other names: short protein forms T647I.
Identifiers: ClinVar variation 3361219 (VCV003361219.1).
Genomic context (GRCh38, chr15:28,263,100, plus strand): 5'-TGACTTCCACAGCGGACTTTGACCACATCCAAGTCTTGAAGCTTTTCAATCAGCTTTGGG[G>A]TTTTGCAGCCATCACTACCACCTCTGCCCAATTTCCCATAGTCACCATCTCCCCAAGACC-3'
Protein context (NP_004658.3, residues 637-657): LGRGGSDGCK[Thr647Ile]PKLIEKLQDL